The following is an entry in ClinVar:

ClinVar aggregate classification (germline): Uncertain significance. Review status: criteria provided, multiple submitters, no conflicts (2 of 4 stars). 2 submissions from 2 submitters: Uncertain significance (2). Last evaluated 2024-11-11.

Conditions:
Cerebellar ataxia, impaired intellectual development, and dysequilibrium syndrome 1. Also called: VLDLR Cerebellar Hypoplasia; CEREBELLAR ATAXIA AND MENTAL RETARDATION WITH OR WITHOUT QUADRUPEDAL LOCOMOTION 1; CEREBELLAR ATAXIA, CONGENITAL, AND MENTAL RETARDATION, AUTOSOMAL RECESSIVE; Cerebellar hypoplasia and mental retardation with or without quadrupedal locomotion 1; Cerebellar ataxia, intellectual disability, and dysequilibrium syndrome 1; Cerebellar ataxia, mental retardation, and dysequilibrium syndrome 1. Identifiers: Orphanet 1766, MedGen C4551552, MONDO:0024542, OMIM 224050.

Allele frequency attached by ClinVar (database versions not stated): gnomAD exomes 0.00001; TOPMed 0.00001; ExAC 0.00002.
gnomAD v4.1: 5 of 1,614,164 alleles (0.00031%); highest among the groups gnomAD compares: South Asian, 0.0011%; no homozygotes.

Submissions (2):

Labcorp Genetics (formerly Invitae), Labcorp
Classification: Uncertain significance. Last evaluated: 2024-11-11. Review status: criteria provided, single submitter. Criteria: Invitae Variant Classification Sherloc (09022015). Collection method: clinical testing. Allele origin: germline.
Comment: This sequence change replaces glycine, which is neutral and non-polar, with glutamic acid, which is acidic and polar, at codon 322 of the VLDLR protein (p.Gly322Glu). This variant is present in population databases (rs771246266, gnomAD 0.003%). This variant has not been reported in the literature in individuals affected with VLDLR-related conditions. ClinVar contains an entry for this variant (Variation ID: 2780931). Invitae Evidence Modeling of protein sequence and biophysical properties (such as structural, functional, and spatial information, amino acid conservation, physicochemical variation, residue mobility, and thermodynamic stability) indicates that this missense variant is not expected to disrupt VLDLR protein function with a negative predictive value of 80%. In summary, the available evidence is currently insufficient to determine the role of this variant in disease. Therefore, it has been classified as a Variant of Uncertain Significance.

Juno Genomics, Hangzhou Juno Genomics, Inc
Classification: Uncertain significance for Cerebellar ataxia, impaired intellectual development, and dysequilibrium syndrome 1. Review status: criteria provided, single submitter. Criteria: ACMG Guidelines, 2015. Collection method: clinical testing. Allele origin: germline.
Comment: Absent from controls (or at extremely low frequency if recessive) in Genome Aggregation Database.;Multiple lines of computational evidence suggest no impact on gene or gene product.

NM_003383.5(VLDLR):c.965G>A (p.Gly322Glu)

Gene: VLDLR (very low density lipoprotein receptor; plus strand). Cytogenetic location: 9p24.2.
Variant type: single nucleotide variant.
Coding change: c.965G>A on transcript NM_003383.5 (MANE Select); coding-DNA position 965, G replaced by A.
Protein change: p.Gly322Glu; replaces glycine 322 with glutamic acid.
Molecular consequence: missense variant.
Genome position (GRCh38, 1-based): chr9:2,643,858, G>A. VCF-style: chr9-2643858-G-A. GRCh37 (hg19) VCF-style: chr9-2643858-G-A.
Other names: c.965G>A, p.Gly322Glu (NM_001018056.3); c.842G>A, p.Gly281Glu (NM_001322225.2, NM_001322226.2); short protein forms G281E, G322E.
Identifiers: ClinVar variation 2780931 (VCV002780931.4), dbSNP rs771246266, ClinGen allele CA4964694.